The following is an entry in ClinVar:

NM_000059.4(BRCA2):c.8816dup (p.Lys2940fs)

Gene: BRCA2 (BRCA2 DNA repair associated; plus strand). Cytogenetic location: 13q13.1.
Variant type: Duplication.
Coding change: c.8816dup on transcript NM_000059.4 (MANE Select); coding-DNA position 8816, one base duplicated (A; older notation c.8816dupA).
Protein change: p.Lys2940fs; shifts the reading frame from lysine 2940.
Molecular consequence: frameshift variant. On other transcripts: non-coding transcript variant (1).
Genome position (GRCh38, 1-based): chr13:32,379,378, A duplicated; the last of 2 consecutive A bases (chr13:32,379,377-32,379,378); duplicating either gives the same sequence. VCF-style (leftmost placement, unchanged base first): chr13-32379376-T-TA. GRCh37 (hg19) VCF-style: chr13-32953513-T-TA.
Other names: c.8720dup, p.Lys2908fs (NM_001406719.1); c.8816dup, p.Lys2940fs (NM_001406720.1, NM_001432077.1); c.3884dup, p.Lys1296fs (NM_001406721.1); c.2399dup, p.Lys801fs (NM_001406722.1); c.8816dupA (NM_000059.3); short protein forms K2940fs, K1296fs, K2908fs, K801fs.
Identifiers: ClinVar variation 5033233 (VCV005033233.1).

ClinVar aggregate classification (germline): Pathogenic (1 of 4 stars; one submission).

Conditions:
Hereditary cancer-predisposing syndrome. Also called: Neoplastic Syndromes, Hereditary; Tumor predisposition; Hereditary neoplastic syndrome; Hereditary Cancer Syndrome. Identifiers: Orphanet 140162, MedGen C0027672, MeSH D009386, MONDO:0015356.

Submission:

Ambry Genetics
Classification: Pathogenic for Hereditary cancer-predisposing syndrome. Last evaluated: 2026-07-14. Review status: criteria provided, single submitter. Criteria: Ambry Variant Classification Scheme 2023. Collection method: clinical testing. Allele origin: germline.
Comment: The c.8816dupA pathogenic mutation, located in coding exon 21 of the BRCA2 gene, results from a duplication of A at nucleotide position 8816, causing a translational frameshift with a predicted alternate stop codon (p.K2940Efs*10). This variant is considered to be rare based on population cohorts in the Genome Aggregation Database (gnomAD). This alteration is expected to result in loss of function by premature protein truncation or nonsense-mediated mRNA decay. As such, this alteration is interpreted as a disease-causing mutation.